The following is an entry in ClinVar:

NM_001001433.3(STX16):c.106C>A (p.Pro36Thr)

Genes: STX16 (syntaxin 16; plus strand), STX16-NPEPL1 (STX16-NPEPL1 readthrough (NMD candidate); plus strand). Cytogenetic location: 20q13.32.
Variant type: single nucleotide variant.
Coding change: c.106C>A on transcript NM_001001433.3 (MANE Select); coding-DNA position 106, C replaced by A.
Protein change: p.Pro36Thr; replaces proline 36 with threonine.
Molecular consequence: missense variant. On other transcripts: non-coding transcript variant (2), 5 prime UTR variant (1), intron variant (2).
Genome position (GRCh38, 1-based): chr20:58,652,112, C>A. VCF-style: chr20-58652112-C-A. GRCh37 (hg19) VCF-style: chr20-57227168-C-A.
Other names: c.106C>A, p.Pro36Thr (NM_001134772.3); c.-54C>A (NM_001204868.2); c.81+25C>A (NM_001134773.3, NM_003763.6); short protein forms P36T.
Identifiers: ClinVar variation 339043 (VCV000339043.47), dbSNP rs142560013, ClinGen allele CA9925170.

ClinVar aggregate classification (germline): Benign/Likely benign. Review status: criteria provided, multiple submitters, no conflicts (2 of 4 stars). 3 submissions from 3 submitters: Benign (1); Likely benign (2). Last evaluated 2025-11-27.

Conditions:
Pseudohypoparathyroidism type 1B (PHP1B). Also called: PHP IB; Pseudohypoparathyroidism Ib (PHP-Ib); Pseudohypoparathyroidism Type IB. Identifiers: Orphanet 94089, MedGen C1864100, MONDO:0011301, OMIM 603233.

Allele frequency attached by ClinVar (database versions not stated): TOPMed 0.00047; 1000 Genomes Project 0.00060; 1000 Genomes Project 30x 0.00062; ESP Exome Variant Server 0.00085.
gnomAD v4.1: 1,426 of 1,614,172 alleles (0.088%); highest among the groups gnomAD compares: Non-Finnish European, 0.11%; 1 homozygote.

Submissions (3):

Labcorp Genetics (formerly Invitae), Labcorp
Classification: Likely benign. Last evaluated: 2025-11-27. Review status: criteria provided, single submitter. Criteria: Invitae Variant Classification Sherloc (09022015). Collection method: clinical testing. Allele origin: germline.

CeGaT Center for Human Genetics Tuebingen
Classification: Likely benign. Last evaluated: 2021-03-01. Review status: criteria provided, single submitter. Criteria: CeGaT Center For Human Genetics Tuebingen Variant Classification Criteria Version 2. Collection method: clinical testing. Allele origin: germline. Affected: yes. Observed: 1 variant allele.

Illumina Laboratory Services, Illumina
Classification: Benign for Pseudohypoparathyroidism type 1B. Last evaluated: 2018-01-12. Review status: criteria provided, single submitter. Criteria: ICSL Variant Classification Criteria 13 December 2019. Collection method: clinical testing. Allele origin: germline.
Comment: This variant was observed in the ICSL laboratory as part of a predisposition screen in an ostensibly healthy population. It had not been previously curated by ICSL or reported in the Human Gene Mutation Database (HGMD: prior to June 1st, 2018), and was therefore a candidate for classification through an automated scoring system. Utilizing variant allele frequency, disease prevalence and penetrance estimates, and inheritance mode, an automated score was calculated to assess if this variant is too frequent to cause the disease. Based on the score and internal cut-off values, a variant classified as benign is not then subjected to further curation. The score for this variant resulted in a classification of benign for this disease.